The following is an entry in ClinVar:

NM_020433.5(JPH2):c.517G>T (p.Gly173Cys)

Gene: JPH2 (junctophilin 2; minus strand). Cytogenetic location: 20q13.12.
Variant type: single nucleotide variant.
Coding change: c.517G>T on transcript NM_020433.5 (MANE Select); coding-DNA position 517, G replaced by T.
Protein change: p.Gly173Cys; replaces glycine 173 with cysteine.
Molecular consequence: missense variant.
Genome position (GRCh38, 1-based): chr20:44,160,270, C>A on the plus strand (G>T on the coding strand, the complement: JPH2 is on the minus strand). VCF-style: chr20-44160270-C-A. GRCh37 (hg19) VCF-style: chr20-42788910-C-A.
Other names: short protein forms G173C.
Identifiers: ClinVar variation 2465702 (VCV002465702.2), dbSNP rs757693348, ClinGen allele CA9868832.

ClinVar aggregate classification (germline): Uncertain significance (1 of 4 stars; one submission).

Conditions:
Cardiovascular phenotype. Identifiers: MedGen CN230736.

Allele frequency attached by ClinVar (database versions not stated): ExAC 0.00018.
gnomAD v4.1: 15 of 1,533,596 alleles (0.00098%); highest among the groups gnomAD compares: South Asian, 0.0048%; no homozygotes.

Submission:

Ambry Genetics
Classification: Uncertain significance for Cardiovascular phenotype. Last evaluated: 2023-08-24. Review status: criteria provided, single submitter. Criteria: Ambry Variant Classification Scheme 2023. Collection method: clinical testing. Allele origin: germline.
Comment: The p.G173C variant (also known as c.517G>T), located in coding exon 2 of the JPH2 gene, results from a G to T substitution at nucleotide position 517. The glycine at codon 173 is replaced by cysteine, an amino acid with highly dissimilar properties. This amino acid position is conserved. In addition, this alteration is predicted to be deleterious by in silico analysis. Since supporting evidence is limited at this time, the clinical significance of this alteration remains unclear.